The following is an entry in ClinVar:

NM_001197104.2(KMT2A):c.153C>G (p.Pro51=)

Gene: KMT2A (lysine methyltransferase 2A; plus strand). Cytogenetic location: 11q23.3.
Variant type: single nucleotide variant.
Coding change: c.153C>G on transcript NM_001197104.2 (MANE Select); coding-DNA position 153, C replaced by G.
Protein change: p.Pro51=; no amino-acid change (proline 51 retained).
Molecular consequence: synonymous variant.
Genome position (GRCh38, 1-based): chr11:118,436,665, C>G. VCF-style: chr11-118436665-C-G. GRCh37 (hg19) VCF-style: chr11-118307380-C-G.
Other names: c.153C>G, p.Pro51= (NM_001412597.1, NM_005933.4).
Identifiers: ClinVar variation 3026054 (VCV003026054.22), dbSNP rs1159114829, ClinGen allele CA477356538.
Genomic context (GRCh38, chr11:118,436,665, plus strand): 5'-GCGGCAACGCGTCCCGGCCCTGCTGCTTCCCCCCGGGCCCCCGGTCGGCGGTGGCGGCCC[C>G]GGGGCGCCCCCCTCCCCCCCGGCTGTGGCGGCCGCGGCGGCGGCGGCGGGAAGCAGCGGG-3'
Protein context (NP_001184033.1, residues 41-61): PPGPPVGGGG[Pro51=]GAPPSPPAVA

ClinVar aggregate classification (germline): Likely benign (1 of 4 stars; one submission).

Submission:

CeGaT Center for Human Genetics Tuebingen
Classification: Likely benign. Last evaluated: 2024-01-01. Review status: criteria provided, single submitter. Criteria: CeGaT Center For Human Genetics Tuebingen Variant Classification Criteria Version 2. Collection method: clinical testing. Allele origin: germline. Affected: yes. Observed: 1 variant allele.
Comment: KMT2A: PM2:Supporting, BP4, BP7